The following is an entry in ClinVar:

NM_006767.4(LZTR1):c.1786-3C>G

Gene: LZTR1 (leucine zipper like post translational regulator 1; plus strand). Cytogenetic location: 22q11.21.
Variant type: single nucleotide variant.
Coding change: c.1786-3C>G on transcript NM_006767.4 (MANE Select); 3 bases into the intron before coding-DNA position 1786, C replaced by G.
Molecular consequence: intron variant.
Genome position (GRCh38, 1-based): chr22:20,994,867, C>G. VCF-style: chr22-20994867-C-G. GRCh37 (hg19) VCF-style: chr22-21349156-C-G.
Other names: c.1786-3C>G (NM_006767.3).
Identifiers: ClinVar variation 3671098 (VCV003671098.4).
Genomic context (GRCh38, chr22:20,994,867, plus strand): 5'-CCCCTCGCCCAGCCTGGGGCCCTGGCTTGACTCTGCCTGCCTGCCTGTGCCTGTCTGCCC[C>G]AGGAGCACTGCCTGAACTTCGTGGTAAAGGAGTCCCACTTCAACCAGGTGATCATGATGA-3'

ClinVar aggregate classification (germline): Uncertain significance. Review status: criteria provided, multiple submitters, no conflicts (2 of 4 stars). 2 submissions from 2 submitters: Uncertain significance (2). Last evaluated 2025-12-16.

Conditions:
Cardiovascular phenotype. Identifiers: MedGen CN230736.
Hereditary cancer-predisposing syndrome. Also called: Hereditary Cancer Syndrome; Hereditary neoplastic syndrome; Neoplastic Syndromes, Hereditary; Tumor predisposition. Identifiers: Orphanet 140162, MedGen C0027672, MeSH D009386, MONDO:0015356.

gnomAD v4.1: 3 of 1,613,126 alleles (0.00019%); highest among the groups gnomAD compares: African/African-American, 0.0013%; no homozygotes.

Submissions (2):

Labcorp Genetics (formerly Invitae), Labcorp
Classification: Uncertain significance. Last evaluated: 2025-12-16. Review status: criteria provided, single submitter. Criteria: Invitae Variant Classification Sherloc (09022015). Collection method: clinical testing. Allele origin: germline.
Comment: This sequence change falls in intron 15 of the LZTR1 gene. It does not directly change the encoded amino acid sequence of the LZTR1 protein. It affects a nucleotide within the consensus splice site. This variant is not present in population databases (gnomAD no frequency). This variant has not been reported in the literature in individuals affected with LZTR1-related conditions. ClinVar contains an entry for this variant (Variation ID: 3671098). Variants that disrupt the consensus splice site are a relatively common cause of aberrant splicing (PMID: 17576681, 9536098). Algorithms developed to predict the effect of sequence changes on RNA splicing suggest that this variant may disrupt the consensus splice site. In summary, the available evidence is currently insufficient to determine the role of this variant in disease. Therefore, it has been classified as a Variant of Uncertain Significance.

Ambry Genetics
Classification: Uncertain significance for Cardiovascular phenotype; Hereditary cancer-predisposing syndrome. Last evaluated: 2025-11-18. Review status: criteria provided, single submitter. Criteria: Ambry Variant Classification Scheme 2023. Collection method: clinical testing. Allele origin: germline.
Comment: The c.1786-3C>G intronic variant results from a C to G substitution 3 nucleotides upstream from coding exon 16 in the LZTR1 gene. This nucleotide position is well conserved in available vertebrate species. In silico splice site analysis predicts that this alteration will weaken the native splice acceptor site and may result in the creation or strengthening of a novel splice acceptor site. RNA studies have demonstrated that this alteration results in a transcript predicted to lead to a protein with an in-frame deletion of 15 amino acids; however, the exact functional impact of the deleted amino acids is unknown at this time (Ambry internal data). Based on the available evidence, the clinical significance of this variant remains unclear.

Literature cited by the submitters: PubMed 17576681 (cited by Labcorp Genetics (formerly Invitae), Labcorp); PubMed 9536098 (cited by Labcorp Genetics (formerly Invitae), Labcorp).